The following is an entry in ClinVar:

ClinVar aggregate classification (germline): Uncertain significance (1 of 4 stars; one submission).

Submission:

Labcorp Genetics (formerly Invitae), Labcorp
Classification: Uncertain significance. Last evaluated: 2022-04-15. Review status: criteria provided, single submitter. Criteria: Invitae Variant Classification Sherloc (09022015). Collection method: clinical testing. Allele origin: germline.
Comment: A copy number gain of the genomic region encompassing the full coding sequence of the CCDC88A gene has been identified. The boundaries of this event are unknown as they extend beyond the assayed region for this gene and therefore may encompass additional genes. As the precise location of this event is unknown, it may be in tandem or it may be located elsewhere in the genome. This variant has not been reported in the literature in individuals affected with CCDC88A-related conditions. In summary, the available evidence is currently insufficient to determine the role of this variant in disease. Therefore, it has been classified as a Variant of Uncertain Significance.

NC_000002.11:g.(?_55459961)_(55646215_?)dup

Genes: CCDC88A (coiled-coil domain containing 88A; minus strand), MTIF2 (mitochondrial translational initiation factor 2; minus strand), RPS27A (ribosomal protein S27a; plus strand). Cytogenetic location: 2p16.1.
Variant type: Duplication.
Identifiers: ClinVar variation 2423799 (VCV002423799.3).